The following is an entry in ClinVar:

NM_015559.3(SETBP1):c.4037C>T (p.Ala1346Val)

Gene: SETBP1 (SET binding protein 1; plus strand). Cytogenetic location: 18q12.3.
Variant type: single nucleotide variant.
Coding change: c.4037C>T on transcript NM_015559.3 (MANE Select); coding-DNA position 4037, C replaced by T.
Protein change: p.Ala1346Val; replaces alanine 1346 with valine.
Molecular consequence: missense variant.
Genome position (GRCh38, 1-based): chr18:45,038,521, C>T. VCF-style: chr18-45038521-C-T. GRCh37 (hg19) VCF-style: chr18-42618486-C-T.
Other names: c.4037C>T, p.Ala1346Val (NM_001379141.1, NM_001379142.1); short protein forms A1346V.
Identifiers: ClinVar variation 2178343 (VCV002178343.4), dbSNP rs973611154, ClinGen allele CA402482381.

ClinVar aggregate classification (germline): Uncertain significance (1 of 4 stars; one submission).

gnomAD v4.1: 5 of 1,613,990 alleles (0.00031%); highest among the groups gnomAD compares: African/African-American, 0.0013%; no homozygotes.

Submission:

Labcorp Genetics (formerly Invitae), Labcorp
Classification: Uncertain significance. Last evaluated: 2022-10-05. Review status: criteria provided, single submitter. Criteria: Invitae Variant Classification Sherloc (09022015). Collection method: clinical testing. Allele origin: germline.
Comment: Advanced modeling of protein sequence and biophysical properties (such as structural, functional, and spatial information, amino acid conservation, physicochemical variation, residue mobility, and thermodynamic stability) performed at Invitae indicates that this missense variant is not expected to disrupt SETBP1 protein function. In summary, the available evidence is currently insufficient to determine the role of this variant in disease. Therefore, it has been classified as a Variant of Uncertain Significance. This variant has not been reported in the literature in individuals affected with SETBP1-related conditions. This variant is present in population databases (no rsID available, gnomAD no frequency). This sequence change replaces alanine, which is neutral and non-polar, with valine, which is neutral and non-polar, at codon 1346 of the SETBP1 protein (p.Ala1346Val).